The following is an entry in ClinVar:

NM_024078.3(NOC4L):c.1404G>A (p.Ala468=)

Gene: NOC4L (nucleolar complex associated 4 homolog; plus strand). Cytogenetic location: 12q24.33.
Variant type: single nucleotide variant.
Coding change: c.1404G>A on transcript NM_024078.3 (MANE Select); coding-DNA position 1404, G replaced by A.
Protein change: p.Ala468=; no amino-acid change (alanine 468 retained).
Molecular consequence: synonymous variant. On other transcripts: non-coding transcript variant (3).
Genome position (GRCh38, 1-based): chr12:132,152,170, G>A. VCF-style: chr12-132152170-G-A. GRCh37 (hg19) VCF-style: chr12-132636715-G-A.
Other names: c.1386G>A, p.Ala462= (NM_001414688.1); c.1353G>A, p.Ala451= (NM_001414689.1); c.1347G>A, p.Ala449= (NM_001414690.1); c.1344G>A, p.Ala448= (NM_001414691.1); c.1131G>A, p.Ala377= (NM_001414692.1).
Identifiers: ClinVar variation 3905198 (VCV003905198.10).
Genomic context (GRCh38, chr12:132,152,170, plus strand): 5'-GGTGTCCAAAGCCGCCAGCGTCATCAACCAGGCCCTGTCCATGCCTGAGGTCAGCATCGC[G>A]CCACTGCTGGAGCTCACGGCCTACGAGGTGCGGAACTGGGCCAGGGTGCGAGGGTCTGGG-3'
Protein context (NP_076983.1, residues 458-478): QALSMPEVSI[Ala468=]PLLELTAYEI

ClinVar aggregate classification (germline): Likely benign (1 of 4 stars; one submission).

gnomAD v4.1: 278 of 1,611,958 alleles (0.017%); highest among the groups gnomAD compares: East Asian, 0.025%; no homozygotes.

Submission:

CeGaT Center for Human Genetics Tuebingen
Classification: Likely benign. Last evaluated: 2025-06-01. Review status: criteria provided, single submitter. Criteria: CeGaT Center For Human Genetics Tuebingen Variant Classification Criteria Version 2. Collection method: clinical testing. Allele origin: germline. Affected: yes. Observed: 1 variant allele.
Comment: NOC4L: BP4, BP7